The following is an entry in ClinVar:

NM_003816.3(ADAM9):c.2203A>G (p.Thr735Ala)

Gene: ADAM9 (ADAM metallopeptidase domain 9; plus strand). Cytogenetic location: 8p11.22.
Variant type: single nucleotide variant.
Coding change: c.2203A>G on transcript NM_003816.3 (MANE Select); coding-DNA position 2203, A replaced by G.
Protein change: p.Thr735Ala; replaces threonine 735 with alanine.
Molecular consequence: missense variant. On other transcripts: non-coding transcript variant (2).
Genome position (GRCh38, 1-based): chr8:39,090,181, A>G. VCF-style: chr8-39090181-A-G. GRCh37 (hg19) VCF-style: chr8-38947700-A-G.
Other names: short protein forms T735A.
Identifiers: ClinVar variation 2119988 (VCV002119988.4), dbSNP rs2536391245, ClinGen allele CA370749780.

ClinVar aggregate classification (germline): Uncertain significance (1 of 4 stars; one submission).

Submission:

Labcorp Genetics (formerly Invitae), Labcorp
Classification: Uncertain significance. Last evaluated: 2022-03-31. Review status: criteria provided, single submitter. Criteria: Invitae Variant Classification Sherloc (09022015). Collection method: clinical testing. Allele origin: germline.
Comment: This sequence change replaces threonine, which is neutral and polar, with alanine, which is neutral and non-polar, at codon 735 of the ADAM9 protein (p.Thr735Ala). This variant is not present in population databases (gnomAD no frequency). This variant has not been reported in the literature in individuals affected with ADAM9-related conditions. Algorithms developed to predict the effect of missense changes on protein structure and function output the following: SIFT: "Tolerated"; PolyPhen-2: "Benign"; Align-GVGD: "Class C0". The alanine amino acid residue is found in multiple mammalian species, which suggests that this missense change does not adversely affect protein function. In summary, the available evidence is currently insufficient to determine the role of this variant in disease. Therefore, it has been classified as a Variant of Uncertain Significance.